The following is an entry in ClinVar:

NM_024334.3(TMEM43):c.778G>A (p.Val260Met)

Gene: TMEM43 (transmembrane protein 43; plus strand). Cytogenetic location: 3p25.1.
Variant type: single nucleotide variant.
Coding change: c.778G>A on transcript NM_024334.3 (MANE Select); coding-DNA position 778, G replaced by A.
Protein change: p.Val260Met; replaces valine 260 with methionine.
Molecular consequence: missense variant.
Genome position (GRCh38, 1-based): chr3:14,135,230, G>A. VCF-style: chr3-14135230-G-A. GRCh37 (hg19) VCF-style: chr3-14176730-G-A.
Other names: short protein forms V260M.
Identifiers: ClinVar variation 628510 (VCV000628510.14), dbSNP rs758872772, ClinGen allele CA055317.

ClinVar aggregate classification (germline): Conflicting classifications of pathogenicity. Review status: criteria provided, conflicting classifications (1 of 4 stars). 5 submissions from 5 submitters: Uncertain significance (4); Likely benign (1). Last evaluated 2025-10-26.

Conditions:
Cardiovascular phenotype. Identifiers: MedGen CN230736.
Arrhythmogenic right ventricular dysplasia 5. Also called: Arrhythmogenic Right Ventricular Dysplasia/Cardiomyopathy 5; ARRHYTHMOGENIC RIGHT VENTRICULAR DYSPLASIA, FAMILIAL, 5. Identifiers: MedGen C1858379, MONDO:0011459, OMIM 604400.
Cardiomyopathy (CMYO). Also called: Cardiomyopathies. Identifiers: Orphanet 167848, MedGen C0878544, MONDO:0004994, HP:0001638. Inheritance: Various modes of inheritance.

Allele frequency attached by ClinVar (database versions not stated): TOPMed 0.00001; ExAC 0.00002; gnomAD exomes 0.00002.
gnomAD v4.1: 10 of 1,611,704 alleles (0.00062%); highest among the groups gnomAD compares: East Asian, 0.0067%; no homozygotes.

Submissions (5):

Labcorp Genetics (formerly Invitae), Labcorp
Classification: Uncertain significance for Arrhythmogenic right ventricular dysplasia 5. Last evaluated: 2025-10-26. Review status: criteria provided, single submitter. Criteria: Invitae Variant Classification Sherloc (09022015). Collection method: clinical testing. Allele origin: germline.
Comment: This sequence change replaces valine, which is neutral and non-polar, with methionine, which is neutral and non-polar, at codon 260 of the TMEM43 protein (p.Val260Met). This variant is present in population databases (rs758872772, gnomAD 0.02%). This variant has not been reported in the literature in individuals affected with TMEM43-related conditions. ClinVar contains an entry for this variant (Variation ID: 628510). An algorithm developed to predict the effect of missense changes on protein structure and function outputs the following: PolyPhen-2: "Benign". The methionine amino acid residue is found in multiple mammalian species, which suggests that this missense change does not adversely affect protein function. In summary, the available evidence is currently insufficient to determine the role of this variant in disease. Therefore, it has been classified as a Variant of Uncertain Significance.

ARUP Laboratories, Molecular Genetics and Genomics, ARUP Laboratories
Classification: Uncertain significance. Last evaluated: 2025-06-05. Review status: criteria provided, single submitter. Criteria: ARUP Molecular Germline Variant Investigation Process 2024. Collection method: clinical testing. Allele origin: germline.
Comment: The TMEM43 c.778G>A; p.Val260Met variant (rs758872772), to our knowledge, is not reported in the medical literature but is reported in ClinVar (Variation ID: 628510). This variant is found in the general population with an overall allele frequency of 0.002% (4/248,856 alleles) in the Genome Aggregation Database (v2.1.1). Computational analyses predict that this variant is neutral (REVEL: 0.094). Due to limited information, the clinical significance of this variant is uncertain at this time.

Ambry Genetics
Classification: Likely benign for Cardiovascular phenotype. Last evaluated: 2024-12-28. Review status: criteria provided, single submitter. Criteria: Ambry Variant Classification Scheme 2023. Collection method: clinical testing. Allele origin: germline.

All of Us Research Program, National Institutes of Health
Classification: Uncertain significance for Arrhythmogenic right ventricular dysplasia 5. Last evaluated: 2024-07-29. Review status: criteria provided, single submitter. Criteria: ACMG Guidelines, 2015. Collection method: clinical testing. Allele origin: germline. Inheritance: Autosomal dominant inheritance. Observed: 6 variant alleles, 6 heterozygotes.
Comment: This missense variant replaces valine with methionine at codon 260 of the TMEM43 protein. Computational prediction tools and conservation analyses suggest that this variant may not impact the protein function. Computational splicing tools suggest that this variant may not impact RNA splicing. To our knowledge, functional assays have not been performed for this variant nor has this variant been reported in individuals affected with cardiovascular disorders in the literature. This variant has been identified in 4/248856 chromosomes in the general population by the Genome Aggregation Database (gnomAD). Available evidence is insufficient to determine the role of this variant in disease conclusively. Therefore, this variant is classified as a Variant of Uncertain Significance.

This study involves interpretation of variants in research participants for the purpose of population health screening. Participant phenotype was not available at the time of variant classification. Additional details can be found in publication PMID: 35346344, PMCID: PMC8962531

Color Diagnostics, LLC DBA Color Health
Classification: Uncertain significance for Cardiomyopathy. Last evaluated: 2024-05-23. Review status: criteria provided, single submitter. Criteria: ACMG Guidelines, 2015. Collection method: clinical testing. Allele origin: germline.
Comment: This missense variant replaces valine with methionine at codon 260 of the TMEM43 protein. Computational prediction suggests that this variant may not impact protein structure and function (internally defined REVEL score threshold <= 0.5, PMID: 27666373). To our knowledge, functional studies have not been reported for this variant. This variant has not been reported in individuals affected with TMEM43-related disorders in the literature. This variant has been identified in 4/248856 chromosomes in the general population by the Genome Aggregation Database (gnomAD). The available evidence is insufficient to determine the role of this variant in disease conclusively. Therefore, this variant is classified as a Variant of Uncertain Significance.